The following is an entry in ClinVar:

ClinVar aggregate classification (germline): Likely benign (0 of 4 stars; one submission).

Conditions:
IL17RA-related disorder. Also called: IL17RA-related condition.

gnomAD v4.1: 1 of 1,614,208 alleles (0.000062%); highest among the groups gnomAD compares: Non-Finnish European, 0.000085%; no homozygotes.

Submission:

PreventionGenetics, part of Exact Sciences
Classification: Likely benign for IL17RA-related condition. Last evaluated: 2023-11-03. Review status: no assertion criteria provided. Collection method: clinical testing. Allele origin: germline.
Comment: This variant is classified as likely benign based on ACMG/AMP sequence variant interpretation guidelines (Richards et al. 2015 PMID: 25741868, with internal and published modifications).

NM_014339.7(IL17RA):c.744C>T (p.His248=)

Gene: IL17RA (interleukin 17 receptor A; plus strand). Cytogenetic location: 22q11.1.
Variant type: single nucleotide variant.
Coding change: c.744C>T on transcript NM_014339.7 (MANE Select); coding-DNA position 744, C replaced by T.
Protein change: p.His248=; no amino-acid change (histidine 248 retained).
Molecular consequence: synonymous variant.
Genome position (GRCh38, 1-based): chr22:17,102,284, C>T. VCF-style: chr22-17102284-C-T. GRCh37 (hg19) VCF-style: chr22-17583174-C-T.
Other names: c.744C>T, p.His248= (NM_001289905.2).
Identifiers: ClinVar variation 3055964 (VCV003055964.2), dbSNP rs2517164662, ClinGen allele CA513177381.